The following is an entry in ClinVar:

ClinVar aggregate classification (germline): Uncertain significance. Review status: criteria provided, multiple submitters, no conflicts (2 of 4 stars). 2 submissions from 2 submitters: Uncertain significance (2). Last evaluated 2026-01-13.

Conditions:
Cardiovascular phenotype. Identifiers: MedGen CN230736.
Brugada syndrome 8 (BRGDA8). Identifiers: Orphanet 130, MedGen C2751083, MONDO:0013148, OMIM 613123.

Submissions (2):

Labcorp Genetics (formerly Invitae), Labcorp
Classification: Uncertain significance for Brugada syndrome 8. Last evaluated: 2026-01-13. Review status: criteria provided, single submitter. Criteria: Invitae Variant Classification Sherloc (09022015). Collection method: clinical testing. Allele origin: germline.
Comment: This sequence change replaces alanine, which is neutral and non-polar, with serine, which is neutral and polar, at codon 591 of the HCN4 protein (p.Ala591Ser). Information on the frequency of this variant in the gnomAD database is not available, as this variant may be reported differently in the database. This variant has not been reported in the literature in individuals affected with HCN4-related conditions. ClinVar contains an entry for this variant (Variation ID: 1779776). Experimental studies and prediction algorithms are not available or were not evaluated, and the functional significance of this variant is currently unknown. In summary, the available evidence is currently insufficient to determine the role of this variant in disease. Therefore, it has been classified as a Variant of Uncertain Significance.

Ambry Genetics
Classification: Uncertain significance for Cardiovascular phenotype. Last evaluated: 2022-05-11. Review status: criteria provided, single submitter. Criteria: Ambry Variant Classification Scheme 2023. Collection method: clinical testing. Allele origin: germline.
Comment: The c.1770_1771delGGinsTT variant (also known as p.A591S), located in coding exon 6 of the HCN4 gene, results from an in-frame deletion of GG and insertion of TT at nucleotide positions 1770 to 1771. This results in the substitution of the alanine residue for a serine residue at codon 591, an amino acid with similar properties. This amino acid position is highly conserved in available vertebrate species. In addition, the in silico prediction for this alteration is inconclusive (Choi Y et al. PLoS ONE. 2012; 7(10):e46688). Since supporting evidence is limited at this time, the clinical significance of this alteration remains unclear.

NM_005477.3(HCN4):c.1770_1771delinsTT (p.Ala591Ser)

Gene: HCN4 (hyperpolarization activated cyclic nucleotide gated potassium channel 4; minus strand). Cytogenetic location: 15q24.1.
Variant type: Indel.
Coding change: c.1770_1771delinsTT on transcript NM_005477.3 (MANE Select); coding-DNA positions 1770 to 1771, GG replaced by TT.
Protein change: p.Ala591Ser; replaces alanine 591 with serine.
Molecular consequence: missense variant.
Genome position (GRCh38, 1-based): chr15:73,325,162-73,325,163, CC replaced by AA on the plus strand (GG replaced by TT on the coding strand, the reverse complement: HCN4 is on the minus strand). VCF-style: chr15-73325162-CC-AA. GRCh37 (hg19) VCF-style: chr15-73617503-CC-AA.
Other names: short protein forms A591S.
Identifiers: ClinVar variation 1779776 (VCV001779776.3), dbSNP rs2549070003, ClinGen allele CA2580090009.